The following is an entry in ClinVar:

ClinVar aggregate classification (germline): Uncertain significance (1 of 4 stars; one submission).

Conditions:
GRIA4-related disorder. Also called: GRIA4-related condition.

Submission:

PreventionGenetics, part of Exact Sciences
Classification: Uncertain significance for GRIA4-related condition. Last evaluated: 2026-09-24. Review status: criteria provided, single submitter. Criteria: ACMG Guidelines, 2015. Collection method: clinical testing. Allele origin: germline.
Comment: The GRIA4 c.1018G>A variant is predicted to result in the amino acid substitution p.Gly340Ser. To our knowledge, this variant has not been reported in the literature or in a large population database (gnomAD), indicating this variant is rare. At this time, the clinical significance of this variant is uncertain due to the absence of conclusive functional and genetic evidence.

NM_000829.4(GRIA4):c.1018G>A (p.Gly340Ser)

Gene: GRIA4 (glutamate ionotropic receptor AMPA type subunit 4; plus strand). Cytogenetic location: 11q22.3.
Variant type: single nucleotide variant.
Coding change: c.1018G>A on transcript NM_000829.4 (MANE Select); coding-DNA position 1018, G replaced by A.
Protein change: p.Gly340Ser; replaces glycine 340 with serine.
Molecular consequence: missense variant. On other transcripts: non-coding transcript variant (1).
Genome position (GRCh38, 1-based): chr11:105,903,946, G>A. VCF-style: chr11-105903946-G-A. GRCh37 (hg19) VCF-style: chr11-105774672-G-A.
Other names: c.1018G>A, p.Gly340Ser (NM_001077243.3, NM_001077244.2, NM_001112812.2 and 20 more transcripts); short protein forms G340S.
Identifiers: ClinVar variation 4992135 (VCV004992135.1).